The following is an entry in ClinVar:

ClinVar aggregate classification (germline): Uncertain significance. Review status: criteria provided, single submitter (1 of 4 stars). 2 submissions from 2 submitters: Uncertain significance (1). 1 of the submissions does not count toward it. Last evaluated 2019-08-20.

Conditions:
Autosomal recessive limb-girdle muscular dystrophy type 2C (LGMDR5). Also called: MUSCULAR DYSTROPHY, LIMB-GIRDLE, AUTOSOMAL RECESSIVE 5; MUSCULAR DYSTROPHY, DUCHENNE-LIKE. Identifiers: Orphanet 353, MedGen C0410173, MONDO:0009677, OMIM 253700. Disease mechanism: Affects gamma-sarcoglycan and also disrupts the integrity of the entire sarcoglycan complex..

gnomAD v4.1: 5 of 1,613,892 alleles (0.00031%); highest among the groups gnomAD compares: African/African-American, 0.0067%; no homozygotes.

Submissions (2):

GeneDx
Classification: Uncertain significance. Last evaluated: 2019-08-20. Review status: criteria provided, single submitter. Criteria: GeneDx Variant Classification Process June 2021. Collection method: clinical testing. Allele origin: germline. Affected: yes.
Comment: Not observed at a significant frequency in large population cohorts (Lek et al., 2016); In silico analysis, which includes protein predictors and evolutionary conservation, supports that this variant does not alter protein structure/function; Has not been previously published as pathogenic or benign to our knowledge

Natera, Inc.
Classification: Uncertain significance for Limb-girdle muscular dystrophy type 2C. Last evaluated: 2025-03-16. Review status: no assertion criteria provided. Collection method: clinical testing. Allele origin: germline. Not counted in ClinVar's aggregate classification.

NM_000231.3(SGCG):c.84T>G (p.Ile28Met)

Gene: SGCG (sarcoglycan gamma; plus strand). Cytogenetic location: 13q12.12.
Variant type: single nucleotide variant.
Coding change: c.84T>G on transcript NM_000231.3 (MANE Select); coding-DNA position 84, T replaced by G.
Protein change: p.Ile28Met; replaces isoleucine 28 with methionine.
Molecular consequence: missense variant.
Genome position (GRCh38, 1-based): chr13:23,203,778, T>G. VCF-style: chr13-23203778-T-G. GRCh37 (hg19) VCF-style: chr13-23777917-T-G.
Other names: c.138T>G, p.Ile46Met (NM_001378244.1); c.84T>G, p.Ile28Met (NM_001378245.1, NM_001378246.1); short protein forms I28M, I46M.
Identifiers: ClinVar variation 1307986 (VCV001307986.3), dbSNP rs1031067187, ClinGen allele CA246628953.
Genomic context (GRCh38, chr13:23,203,778, plus strand): 5'-AGCCACAGAAGGCATCTGCATAGAGAGGCCAGAGAATCAGTATGTCTACAAAATTGGCAT[T>G]TATGGCTGGAGAAAGCGCTGTCTCTACTTGTTTGTTCTTCTTTTACTCATCATCCTCGTT-3'
Protein context (NP_000222.2, residues 18-38): PENQYVYKIG[Ile28Met]YGWRKRCLYL